The following is an entry in ClinVar:

ClinVar aggregate classification (germline): Uncertain significance (1 of 4 stars; one submission).

Conditions:
Sulfite oxidase deficiency. Also called: Isolated sulfite oxidase deficiency. Identifiers: Orphanet 833, Orphanet 99731, MedGen C0268624, MONDO:0010089, OMIM 272300, HP:0003643.

Allele frequency attached by ClinVar (database versions not stated): gnomAD 0.00001.
gnomAD v4.1: 1 of 1,614,036 alleles (0.000062%); highest among the groups gnomAD compares: Admixed American, 0.0017%; no homozygotes.

Submission:

Labcorp Genetics (formerly Invitae), Labcorp
Classification: Uncertain significance for Sulfite oxidase deficiency. Last evaluated: 2021-08-28. Review status: criteria provided, single submitter. Criteria: Invitae Variant Classification Sherloc (09022015). Collection method: clinical testing. Allele origin: germline.
Comment: This sequence change replaces valine with leucine at codon 90 of the SUOX protein (p.Val90Leu). The valine residue is highly conserved and there is a small physicochemical difference between valine and leucine. This variant is not present in population databases (ExAC no frequency). This variant has not been reported in the literature in individuals affected with SUOX-related conditions. Algorithms developed to predict the effect of missense changes on protein structure and function (SIFT, PolyPhen-2, Align-GVGD) all suggest that this variant is likely to be disruptive. In summary, the available evidence is currently insufficient to determine the role of this variant in disease. Therefore, it has been classified as a Variant of Uncertain Significance.

NM_001032386.2(SUOX):c.268G>C (p.Val90Leu)

Gene: SUOX (sulfite oxidase; plus strand). Cytogenetic location: 12q13.2.
Variant type: single nucleotide variant.
Coding change: c.268G>C on transcript NM_001032386.2 (MANE Select); coding-DNA position 268, G replaced by C.
Protein change: p.Val90Leu; replaces valine 90 with leucine.
Molecular consequence: missense variant.
Genome position (GRCh38, 1-based): chr12:56,003,657, G>C. VCF-style: chr12-56003657-G-C. GRCh37 (hg19) VCF-style: chr12-56397441-G-C.
Other names: c.268G>C, p.Val90Leu (NM_000456.3, NM_001032387.2); short protein forms V90L.
Identifiers: ClinVar variation 1513545 (VCV001513545.6), dbSNP rs1447551871, ClinGen allele CA385282065.